The following is an entry in ClinVar:

NM_001195305.3(BBIP1):c.177A>T (p.Lys59Asn)

Gene: BBIP1 (BBSome interacting protein 1; minus strand). Cytogenetic location: 10q25.2.
Variant type: single nucleotide variant.
Coding change: c.177A>T on transcript NM_001195305.3 (MANE Select); coding-DNA position 177, A replaced by T.
Protein change: p.Lys59Asn; replaces lysine 59 with asparagine.
Molecular consequence: missense variant. On other transcripts: 3 prime UTR variant (1).
Genome position (GRCh38, 1-based): chr10:110,900,462, T>A on the plus strand (A>T on the coding strand, the complement: BBIP1 is on the minus strand). VCF-style: chr10-110900462-T-A. GRCh37 (hg19) VCF-style: chr10-112660220-T-A.
Other names: c.*22A>T (NM_001195304.2); c.177A>T, p.Lys59Asn (NM_001195306.2); c.102A>T, p.Lys34Asn (NM_001195307.2); c.111A>T, p.Lys37Asn (NM_001243783.3); short protein forms K37N, K59N, K34N.
Identifiers: ClinVar variation 949986 (VCV000949986.8), dbSNP rs1845964280, ClinGen allele CA378388928.
Genomic context (GRCh38, chr10:110,900,462, plus strand): 5'-TTGGCGAATTGTATTCTGTGCTGCTTGATGCATTTTCTCTAGTTTTTCCAGAGTCAGAGA[T>A]TTTAAGGGTAAAAGTTTGGGTTTACACAGCACCATTGTCATTATATCTTCCACAAACAGT-3'
Protein context (NP_001182234.1, residues 49-69): VLCKPKLLPL[Lys59Asn]SLTLEKLEKM

ClinVar aggregate classification (germline): Uncertain significance. Review status: criteria provided, multiple submitters, no conflicts (2 of 4 stars). 2 submissions from 2 submitters: Uncertain significance (2). Last evaluated 2023-01-24.

Conditions:
Bardet-Biedl syndrome 18 (BBS18). Identifiers: Orphanet 110, MedGen C3806174, MONDO:0014446, OMIM 615995.

Allele frequency attached by ClinVar (database versions not stated): gnomAD exomes below 0.00001; gnomAD 0.00001; TOPMed 0.00001.
gnomAD v4.1: 1 of 1,535,876 alleles (0.000065%); highest among the groups gnomAD compares: Non-Finnish European, 0.000087%; no homozygotes.

Submissions (2):

Labcorp Genetics (formerly Invitae), Labcorp
Classification: Uncertain significance. Last evaluated: 2023-01-24. Review status: criteria provided, single submitter. Criteria: Invitae Variant Classification Sherloc (09022015). Collection method: clinical testing. Allele origin: germline.
Comment: This sequence change replaces lysine, which is basic and polar, with asparagine, which is neutral and polar, at codon 59 of the BBIP1 protein (p.Lys59Asn). This variant is not present in population databases (gnomAD no frequency). In summary, the available evidence is currently insufficient to determine the role of this variant in disease. Therefore, it has been classified as a Variant of Uncertain Significance. Algorithms developed to predict the effect of missense changes on protein structure and function (SIFT, PolyPhen-2, Align-GVGD) all suggest that this variant is likely to be disruptive. ClinVar contains an entry for this variant (Variation ID: 949986). This variant has not been reported in the literature in individuals affected with BBIP1-related conditions.

Fulgent Genetics
Classification: Uncertain significance for Bardet-Biedl syndrome 18. Last evaluated: 2021-12-27. Review status: criteria provided, single submitter. Criteria: ACMG Guidelines, 2015. Collection method: clinical testing. Allele origin: unknown.